The following is an entry in ClinVar:

NM_004656.4(BAP1):c.177del (p.Arg60fs)

Gene: BAP1 (BRCA1 associated deubiquitinase 1; minus strand). Cytogenetic location: 3p21.1.
Variant type: Deletion.
Coding change: c.177del on transcript NM_004656.4 (MANE Select); coding-DNA position 177, one base deleted (G; older notation c.177delG).
Protein change: p.Arg60fs; shifts the reading frame from arginine 60.
Molecular consequence: frameshift variant.
Genome position (GRCh38, 1-based): chr3:52,408,552, C deleted on the plus strand (G on the coding strand, the reverse complement: BAP1 is on the minus strand); the first of 2 consecutive C bases (chr3:52,408,552-52,408,553); deleting either gives the same sequence. VCF-style (leftmost placement, unchanged base first): chr3-52408551-GC-G. GRCh37 (hg19) VCF-style: chr3-52442567-GC-G.
Other names: c.177del, p.Arg60fs (NM_001410772.1); short protein forms R60fs.
Identifiers: ClinVar variation 3891308 (VCV003891308.1).

ClinVar aggregate classification (germline): Likely pathogenic (1 of 4 stars; one submission).

Conditions:
Hereditary cancer-predisposing syndrome. Also called: Tumor predisposition; Neoplastic Syndromes, Hereditary; Hereditary Cancer Syndrome; Hereditary neoplastic syndrome. Identifiers: Orphanet 140162, MedGen C0027672, MeSH D009386, MONDO:0015356.

Submission:

Molecular Diagnostics Laboratory, Catalan Institute of Oncology
Classification: Likely pathogenic for Hereditary cancer-predisposing syndrome. Last evaluated: 2025-03-24. Review status: criteria provided, single submitter. Criteria: ACMG Guidelines, 2015. Collection method: clinical testing. Allele origin: germline.
Comment: PVS1, PM2_Supporting c.177del, located in exon 4 of the BAP1 gene, consists in the duplication of one nucleotide causing a translational frameshift with a predicted alternate stop codon, p.(Gln267*). This alteration is expected to result in loss of function by premature protein truncation and nonsense-mediated mRNA decay (PVS1). It is not present in the population database gnomAD v2.1.1, non cancer dataset (PM2_Supporting). The SpliceAI algorithm predicts no significant impact on splicing. To our knowledge, neither relevant clinical data nor functional studies have been reported for this variant. The variant is not present neither in ClinVar nor in LOVD databases. Based on currently available information, the variant c.177del is classified as a likely pathogenic variant according to ACMG guidelines.